The following is an entry in ClinVar:

NM_017934.7(PHIP):c.2538-3del

Gene: PHIP (PHIP subunit of CUL4-Ring ligase complex; minus strand). Cytogenetic location: 6q14.1.
Variant type: Deletion.
Coding change: c.2538-3del on transcript NM_017934.7 (MANE Select); 3 bases into the intron before coding-DNA position 2538, one base deleted (T; older notation c.2538-3delT).
Molecular consequence: intron variant.
Genome position (GRCh38, 1-based): chr6:78,983,120, A deleted on the plus strand (T on the coding strand, the reverse complement: PHIP is on the minus strand). VCF-style (leftmost placement, unchanged base first): chr6-78983119-TA-T. GRCh37 (hg19) VCF-style: chr6-79692836-TA-T.
Other names: c.2538-3delT (NM_017934.6).
Identifiers: ClinVar variation 2414581 (VCV002414581.8), dbSNP rs777202228, ClinGen allele CA3899903.

ClinVar aggregate classification (germline): Uncertain significance. Review status: criteria provided, single submitter (1 of 4 stars). 2 submissions from 2 submitters: Uncertain significance (1). 1 of the submissions does not count toward it. Last evaluated 2025-11-10.

Conditions:
PHIP-related disorder. Also called: PHIP-related disorders; PHIP-related condition.

Allele frequency attached by ClinVar (database versions not stated): gnomAD 0.00001; gnomAD exomes 0.00001; TOPMed 0.00002; ExAC 0.00004.

Submissions (2):

Labcorp Genetics (formerly Invitae), Labcorp
Classification: Uncertain significance. Last evaluated: 2025-11-10. Review status: criteria provided, single submitter. Criteria: Invitae Variant Classification Sherloc (09022015). Collection method: clinical testing. Allele origin: germline.
Comment: This sequence change falls in intron 22 of the PHIP gene. It does not directly change the encoded amino acid sequence of the PHIP protein. It affects a nucleotide within the consensus splice site. This variant is present in population databases (rs777202228, gnomAD 0.04%). This variant has not been reported in the literature in individuals affected with PHIP-related conditions. ClinVar contains an entry for this variant (Variation ID: 2414581). Variants that disrupt the consensus splice site are a relatively common cause of aberrant splicing (PMID: 17576681, 9536098). Algorithms developed to predict the effect of sequence changes on RNA splicing suggest that this variant is not likely to affect RNA splicing. In summary, the available evidence is currently insufficient to determine the role of this variant in disease. Therefore, it has been classified as a Variant of Uncertain Significance.

PreventionGenetics, part of Exact Sciences
Classification: Likely benign for PHIP-related condition. Last evaluated: 2023-05-22. Review status: no assertion criteria provided. Collection method: clinical testing. Allele origin: germline. Not counted in ClinVar's aggregate classification.
Comment: This variant is classified as likely benign based on ACMG/AMP sequence variant interpretation guidelines (Richards et al. 2015 PMID: 25741868, with internal and published modifications).

Literature cited by the submitters: PubMed 17576681 (cited by Labcorp Genetics (formerly Invitae), Labcorp); PubMed 9536098 (cited by Labcorp Genetics (formerly Invitae), Labcorp).